The following is an entry in ClinVar:

NM_170707.4(LMNA):c.226G>A (p.Gly76Ser)

Gene: LMNA (lamin A/C; plus strand). Cytogenetic location: 1q22.
Variant type: single nucleotide variant.
Coding change: c.226G>A on transcript NM_170707.4 (MANE Select); coding-DNA position 226, G replaced by A.
Protein change: p.Gly76Ser; replaces glycine 76 with serine.
Molecular consequence: missense variant.
Genome position (GRCh38, 1-based): chr1:156,115,144, G>A. VCF-style: chr1-156115144-G-A. GRCh37 (hg19) VCF-style: chr1-156084935-G-A.
Other names: c.226G>A, p.Gly76Ser (NM_001282625.2, NM_001282626.2, NM_005572.4 and 1 more transcripts); short protein forms G76S.
Identifiers: ClinVar variation 1171876 (VCV001171876.13), dbSNP rs745651340, ClinGen allele CA052059.
Genomic context (GRCh38, chr1:156,115,144, plus strand): 5'-AACGCAGGGCTGCGCCTTCGCATCACCGAGTCTGAAGAGGTGGTCAGCCGCGAGGTGTCC[G>A]GCATCAAGGCCGCCTACGAGGCCGAGCTCGGGGATGCCCGCAAGACCCTTGACTCAGTAG-3'
Protein context (NP_733821.1, residues 66-86): SEEVVSREVS[Gly76Ser]IKAAYEAELG

ClinVar aggregate classification (germline): Uncertain significance. Review status: criteria provided, multiple submitters, no conflicts (2 of 4 stars). 3 submissions from 3 submitters: Uncertain significance (3). Last evaluated 2025-07-25.

Conditions:
Cardiomyopathy (CMYO). Also called: Cardiomyopathies. Identifiers: Orphanet 167848, MedGen C0878544, MONDO:0004994, HP:0001638. Inheritance: Various modes of inheritance.
Primary dilated cardiomyopathy (DCM). Also called: Dilated Cardiomyopathy. Identifiers: Orphanet 217604, MedGen C0007193, MeSH D002311, MONDO:0005021, HP:0001644. Inheritance: Various modes of inheritance.
Charcot-Marie-Tooth disease type 2. Also called: Charcot-Marie-Tooth type 2. Identifiers: Orphanet 64746, MedGen C0270914, MONDO:0018993.

Allele frequency attached by ClinVar (database versions not stated): gnomAD exomes below 0.00001; ExAC 0.00001.

Submissions (3):

Color Diagnostics, LLC DBA Color Health
Classification: Uncertain significance for Cardiomyopathy. Last evaluated: 2025-07-25. Review status: criteria provided, single submitter. Criteria: ACMG Guidelines, 2015. Collection method: clinical testing. Allele origin: germline.
Comment: This missense variant replaces glycine with serine at codon 76 of the LMNA protein. Computational prediction is inconclusive regarding the impact of this variant on protein structure and function. To our knowledge, functional studies have not been reported for this variant. This variant has not been reported in individuals affected with LMNA-related disorders in the literature. This variant has been identified in 1/239298 chromosomes in the general population by the Genome Aggregation Database (gnomAD). The available evidence is insufficient to determine the role of this variant in disease conclusively. Therefore, this variant is classified as a Variant of Uncertain Significance.

All of Us Research Program, National Institutes of Health
Classification: Uncertain significance for Primary dilated cardiomyopathy. Last evaluated: 2023-08-15. Review status: criteria provided, single submitter. Criteria: ACMG Guidelines, 2015. Collection method: clinical testing. Allele origin: germline. Inheritance: Autosomal dominant inheritance. Observed: 1 variant allele, 1 heterozygote.
Comment: This missense variant replaces glycine with serine at codon 76 of the lamin A/C proteins. Computational prediction is inconclusive regarding the impact of this variant on protein structure and function (internally defined REVEL score threshold 0.5 < inconclusive < 0.7, PMID: 27666373). To our knowledge, functional studies have not been reported for this variant. This variant has not been reported in individuals affected with cardiovascular disorders in the literature. This variant has been identified in 1/239298 chromosomes in the general population by the Genome Aggregation Database (gnomAD). The available evidence is insufficient to determine the role of this variant in disease conclusively. Therefore, this variant is classified as a Variant of Uncertain Significance.

This study involves interpretation of variants in research participants for the purpose of population health screening. Participant phenotype was not available at the time of variant classification. Additional details can be found in publication PMID: 35346344, PMCID: PMC8962531

Labcorp Genetics (formerly Invitae), Labcorp
Classification: Uncertain significance for Charcot-Marie-Tooth disease type 2. Last evaluated: 2021-01-05. Review status: criteria provided, single submitter. Criteria: Invitae Variant Classification Sherloc (09022015). Collection method: clinical testing. Allele origin: germline.
Comment: This sequence change replaces glycine with serine at codon 76 of the LMNA protein (p.Gly76Ser). The glycine residue is highly conserved and there is a small physicochemical difference between glycine and serine. This variant is present in population databases (rs745651340, ExAC 0.002%). This variant has not been reported in the literature in individuals with LMNA-related conditions. Algorithms developed to predict the effect of missense changes on protein structure and function (SIFT, PolyPhen-2, Align-GVGD) all suggest that this variant is likely to be disruptive, but these predictions have not been confirmed by published functional studies and their clinical significance is uncertain. In summary, the available evidence is currently insufficient to determine the role of this variant in disease. Therefore, it has been classified as a Variant of Uncertain Significance.